The following is an entry in ClinVar:

ClinVar aggregate classification (germline): Uncertain significance. Review status: criteria provided, multiple submitters, no conflicts (2 of 4 stars). 6 submissions from 6 submitters: Uncertain significance (6). Last evaluated 2026-06-03.

Conditions:
PRX-related disorder. Also called: PRX-Related Disorders; PRX-related condition.
Charcot-Marie-Tooth disease type 4. Also called: Charcot-Marie-Tooth disease, type IV; Charcot-Marie-Tooth, Type 4. Identifiers: Orphanet 64749, MedGen C4082197, MONDO:0018995.
Inborn genetic diseases. Identifiers: MedGen C0950123, MeSH D030342.

Allele frequency attached by ClinVar (database versions not stated): gnomAD 0.00003; TOPMed 0.00005; gnomAD exomes 0.00006 and 0.00016; ExAC 0.00015.
gnomAD v4.1: 41 of 1,613,550 alleles (0.0025%); highest among the groups gnomAD compares: Admixed American, 0.058%; no homozygotes.

Submissions (6):

PreventionGenetics, part of Exact Sciences
Classification: Uncertain significance for PRX-related condition. Last evaluated: 2026-06-03. Review status: criteria provided, single submitter. Criteria: ACMG Guidelines, 2015. Collection method: clinical testing. Allele origin: germline.
Comment: The PRX c.4334C>T variant is predicted to result in the amino acid substitution p.Thr1445Ile. To our knowledge, this variant has not been reported in the literature. This variant is reported in 0.099% of alleles in individuals of Latino descent in gnomAD. Although we suspect that this variant may be benign, at this time, the clinical significance of this variant is uncertain due to the absence of conclusive functional and genetic evidence.

CeGaT Center for Human Genetics Tuebingen
Classification: Uncertain significance. Last evaluated: 2025-05-01. Review status: criteria provided, single submitter. Criteria: CeGaT Center For Human Genetics Tuebingen Variant Classification Criteria Version 2. Collection method: clinical testing. Allele origin: germline. Affected: yes. Observed: 1 variant allele.
Comment: PRX: PM2, BP5

Ambry Genetics
Classification: Uncertain significance for Inborn genetic diseases. Last evaluated: 2024-01-23. Review status: criteria provided, single submitter. Criteria: Ambry Variant Classification Scheme 2023. Collection method: clinical testing. Allele origin: germline.

GeneDx
Classification: Uncertain significance. Last evaluated: 2023-02-03. Review status: criteria provided, single submitter. Criteria: GeneDx Variant Classification Process June 2021. Collection method: clinical testing. Allele origin: germline. Affected: yes.
Comment: In silico analysis supports that this missense variant does not alter protein structure/function; Has not been previously published as pathogenic or benign to our knowledge; This variant is associated with the following publications: (PMID: 25614874)

Athena Diagnostics
Classification: Uncertain significance. Last evaluated: 2021-12-29. Review status: criteria provided, single submitter. Criteria: Athena Diagnostics Criteria. Collection method: clinical testing. Allele origin: unknown.

Labcorp Genetics (formerly Invitae), Labcorp
Classification: Uncertain significance for Charcot-Marie-Tooth disease type 4. Last evaluated: 2021-08-28. Review status: criteria provided, single submitter. Criteria: Invitae Variant Classification Sherloc (09022015). Collection method: clinical testing. Allele origin: germline.
Comment: This sequence change replaces threonine with isoleucine at codon 1445 of the PRX protein (p.Thr1445Ile). The threonine residue is moderately conserved and there is a moderate physicochemical difference between threonine and isoleucine. This variant is present in population databases (rs746338096, ExAC 0.1%). This variant has not been reported in the literature in individuals affected with PRX-related conditions. Algorithms developed to predict the effect of missense changes on protein structure and function are either unavailable or do not agree on the potential impact of this missense change (SIFT: "Tolerated"; PolyPhen-2: "Possibly Damaging"; Align-GVGD: "Class C0"). In summary, the available evidence is currently insufficient to determine the role of this variant in disease. Therefore, it has been classified as a Variant of Uncertain Significance.

NM_181882.3(PRX):c.4334C>T (p.Thr1445Ile)

Gene: PRX (periaxin; minus strand). Cytogenetic location: 19q13.2.
Variant type: single nucleotide variant.
Coding change: c.4334C>T on transcript NM_181882.3 (MANE Select); coding-DNA position 4334, C replaced by T.
Protein change: p.Thr1445Ile; replaces threonine 1445 with isoleucine.
Molecular consequence: missense variant. On other transcripts: 3 prime UTR variant (1).
Genome position (GRCh38, 1-based): chr19:40,394,018, G>A on the plus strand (C>T on the coding strand, the complement: PRX is on the minus strand). VCF-style: chr19-40394018-G-A. GRCh37 (hg19) VCF-style: chr19-40899925-G-A.
Other names: c.*4539C>T (NM_020956.2); short protein forms T1445I.
Identifiers: ClinVar variation 1035820 (VCV001035820.19), dbSNP rs746338096, ClinGen allele CA9443636.